The following is an entry in ClinVar:

NM_001385125.1(OPN1SW):c.-9A>G

Genes: OPN1SW (opsin 1, short wave sensitive; minus strand), LOC107980434 (blue cone (S) opsin upstream regulatory region; plus strand). Cytogenetic location: 7q32.1.
Variant type: single nucleotide variant.
Coding change: c.-9A>G on transcript NM_001385125.1 (MANE Select); 9 bases upstream of the start codon, A replaced by G.
Molecular consequence: 5 prime UTR variant.
Genome position (GRCh38, 1-based): chr7:128,775,790, T>C on the plus strand (A>G on the coding strand, the complement: OPN1SW is on the minus strand). VCF-style: chr7-128775790-T-C. GRCh37 (hg19) VCF-style: chr7-128415844-T-C.
Identifiers: ClinVar variation 1395903 (VCV001395903.6), dbSNP rs2128886355, ClinGen allele CA369223247.

ClinVar aggregate classification (germline): Uncertain significance (1 of 4 stars; one submission).

Submission:

Labcorp Genetics (formerly Invitae), Labcorp
Classification: Uncertain significance. Last evaluated: 2022-08-09. Review status: criteria provided, single submitter. Criteria: Invitae Variant Classification Sherloc (09022015). Collection method: clinical testing. Allele origin: germline.
Comment: Algorithms developed to predict the effect of sequence changes on RNA splicing suggest that this variant may create or strengthen a splice site. In summary, the available evidence is currently insufficient to determine the role of this variant in disease. Therefore, it has been classified as a Variant of Uncertain Significance. Experimental studies and prediction algorithms are not available or were not evaluated, and the functional significance of this variant is currently unknown. ClinVar contains an entry for this variant (Variation ID: 1395903). This variant has not been reported in the literature in individuals affected with OPN1SW-related conditions. This variant is not present in population databases (gnomAD no frequency). This sequence change affects the initiator methionine of the OPN1SW mRNA. The next in-frame methionine is located at codon 4.